The following is an entry in ClinVar:

NM_182641.4(BPTF):c.187C>G (p.Arg63Gly)

Gene: BPTF (bromodomain PHD finger transcription factor; plus strand). Cytogenetic location: 17q24.2.
Variant type: single nucleotide variant.
Coding change: c.187C>G on transcript NM_182641.4 (MANE Select); coding-DNA position 187, C replaced by G.
Protein change: p.Arg63Gly; replaces arginine 63 with glycine.
Molecular consequence: missense variant.
Genome position (GRCh38, 1-based): chr17:67,825,911, C>G. VCF-style: chr17-67825911-C-G. GRCh37 (hg19) VCF-style: chr17-65822027-C-G.
Other names: c.187C>G, p.Arg63Gly (NM_004459.7); short protein forms R63G.
Identifiers: ClinVar variation 3699516 (VCV003699516.2).

ClinVar aggregate classification (germline): Uncertain significance (1 of 4 stars; one submission).

Submission:

Labcorp Genetics (formerly Invitae), Labcorp
Classification: Uncertain significance. Last evaluated: 2024-05-14. Review status: criteria provided, single submitter. Criteria: Invitae Variant Classification Sherloc (09022015). Collection method: clinical testing. Allele origin: germline.
Comment: This sequence change replaces arginine, which is basic and polar, with glycine, which is neutral and non-polar, at codon 63 of the BPTF protein (p.Arg63Gly). The frequency data for this variant in the population databases is considered unreliable, as metrics indicate insufficient coverage at this position in the gnomAD database. This variant has not been reported in the literature in individuals affected with BPTF-related conditions. Experimental studies and prediction algorithms are not available or were not evaluated, and the functional significance of this variant is currently unknown. In summary, the available evidence is currently insufficient to determine the role of this variant in disease. Therefore, it has been classified as a Variant of Uncertain Significance.